The following is an entry in ClinVar:

NM_000062.3(SERPING1):c.743C>G (p.Pro248Arg)

Gene: SERPING1 (serpin family G member 1; plus strand). Cytogenetic location: 11q12.1.
Variant type: single nucleotide variant.
Coding change: c.743C>G on transcript NM_000062.3 (MANE Select); coding-DNA position 743, C replaced by G.
Protein change: p.Pro248Arg; replaces proline 248 with arginine.
Molecular consequence: missense variant.
Genome position (GRCh38, 1-based): chr11:57,606,067, C>G. VCF-style: chr11-57606067-C-G. GRCh37 (hg19) VCF-style: chr11-57373540-C-G.
Other names: c.743C>G, p.Pro248Arg (NM_001032295.2); short protein forms P248R.
Identifiers: ClinVar variation 2735611 (VCV002735611.7), dbSNP rs2495440609, ClinGen allele CA380698875.

ClinVar aggregate classification (germline): Conflicting classifications of pathogenicity. Review status: criteria provided, conflicting classifications (1 of 4 stars). 3 submissions from 3 submitters: Pathogenic (1); Uncertain significance (2). Last evaluated 2026-01-12.

Conditions:
Hereditary angioedema type 1 (HAE1). Identifiers: Orphanet 100050, Orphanet 100051, Orphanet 91378, MedGen C2717906, MONDO:0015053, OMIM 106100.

Submissions (3):

3billion
Classification: Uncertain significance for Hereditary angioedema type 1. Last evaluated: 2026-01-12. Review status: criteria provided, single submitter. Criteria: ACMG Guidelines, 2015. Collection method: clinical testing. Allele origin: germline. Affected: yes.
Comment: The variant is not observed in the gnomAD v4.1.0 dataset. Predicted Consequence/Location: Missense variant In silico tool prediction suggests damaging effect of the variant on gene or gene product [REVEL: 0.74 (>=0.6, sensitivity 0.68 and specificity 0.92)]. The same nucleotide change resulting in the same amino acid change has been previously reported to be associated with SERPING1-related disorder (ClinVar ID: VCV002735611 /PMID: 15971231). Therefore, this variant is classified as VUS according to the recommendation of ACMG/AMP guideline.

DNA-diagnostics Laboratory, Research Centre For Medical Genetics
Classification: Pathogenic for Hereditary angioedema type 1. Last evaluated: 2024-06-24. Review status: criteria provided, single submitter. Criteria: ACMG Guidelines, 2015. Collection method: research. Allele origin: germline. Inheritance: Autosomal dominant inheritance. Affected: yes. Observed: 3 variant alleles, 3 heterozygotes.
Comment: According to our observation and the published information of Roche et al., 2005 and Ponard et all, 2020, the c.743C>G variant in SERPING1 meets ACMG/ClinGen SVI guidance criteria to be classified as pathogenic: PP4_Str, PP3_Str, PS4_Mod, PP2, PM2_Sup

Labcorp Genetics (formerly Invitae), Labcorp
Classification: Uncertain significance. Last evaluated: 2023-06-04. Review status: criteria provided, single submitter. Criteria: Invitae Variant Classification Sherloc (09022015). Collection method: clinical testing. Allele origin: germline.
Comment: This sequence change replaces proline, which is neutral and non-polar, with arginine, which is basic and polar, at codon 248 of the SERPING1 protein (p.Pro248Arg). This variant is not present in population databases (gnomAD no frequency). This missense change has been observed in individual(s) with hereditary angioedema (PMID: 15971231). Advanced modeling of protein sequence and biophysical properties (such as structural, functional, and spatial information, amino acid conservation, physicochemical variation, residue mobility, and thermodynamic stability) has been performed at Invitae for this missense variant, however the output from this modeling did not meet the statistical confidence thresholds required to predict the impact of this variant on SERPING1 protein function. In summary, the available evidence is currently insufficient to determine the role of this variant in disease. Therefore, it has been classified as a Variant of Uncertain Significance.

Literature cited by the submitters: PubMed 15971231 (cited by 3billion and Labcorp Genetics (formerly Invitae), Labcorp); DOI 10.1002/humu.23917 (cited by DNA-diagnostics Laboratory, Research Centre For Medical Genetics); DOI 10.1002/humu.20197 (cited by DNA-diagnostics Laboratory, Research Centre For Medical Genetics).